The following is an entry in ClinVar:

ClinVar aggregate classification (germline): Conflicting classifications of pathogenicity. Review status: criteria provided, conflicting classifications (1 of 4 stars). 4 submissions from 3 submitters: Pathogenic (1); Likely pathogenic (2); Uncertain significance (1). Last evaluated 2023-11-15.

Conditions:
Singleton-Merten syndrome 1 (SGMRT1). Also called: Widened medullary cavities of bone, aortic calcification, abnormal dentition, and muscular weakness; Syndrome of widened medullary cavities of the metacarpals and phalanges, aortic calcification and abnormal dentition. Identifiers: Orphanet 85191, MedGen C4225427, MONDO:0024535, OMIM 182250.
Aicardi-Goutieres syndrome 7 (AGS7). Identifiers: Orphanet 51, MedGen C3888244, MONDO:0014367, OMIM 615846.

Submissions (4):

GeneDx
Classification: Uncertain significance. Last evaluated: 2023-11-15. Review status: criteria provided, single submitter. Criteria: GeneDx Variant Classification Process June 2021. Collection method: clinical testing. Allele origin: germline. Affected: yes.
Comment: Frameshift variant predicted to result in protein truncation or nonsense mediated decay in a gene for which loss-of-function is not a known mechanism of disease; Not observed at significant frequency in large population cohorts (gnomAD); Observed in an individual with psychomotor delay and absent speech (PMID: 33921431); This variant is associated with the following publications: (PMID: 33921431)

Genomic Research Center, Shahid Beheshti University of Medical Sciences
Classification: Likely pathogenic for Aicardi-Goutieres syndrome 7. Last evaluated: 2018-08-07. Review status: criteria provided, single submitter. Criteria: ACMG Guidelines, 2015. Collection method: clinical testing. Allele origin: unknown. Affected: yes. Observed: 1 variant allele.

Genomic Research Center, Shahid Beheshti University of Medical Sciences
Classification: Likely pathogenic for Singleton-Merten syndrome 1. Last evaluated: 2018-08-07. Review status: criteria provided, single submitter. Criteria: ACMG Guidelines, 2015. Collection method: clinical testing. Allele origin: unknown. Affected: yes. Observed: 1 variant allele.

Clinical Genetics Service, Universitary Hospital 12 de Octubre
Classification: Pathogenic for Aicardi-Goutieres syndrome 7. Review status: criteria provided, single submitter. Criteria: ACMG Guidelines, 2015. Collection method: clinical testing. Allele origin: germline. Affected: yes.

NM_022168.4(IFIH1):c.716dup (p.Met240fs)

Gene: IFIH1 (interferon induced with helicase C domain 1; minus strand). Cytogenetic location: 2q24.2.
Variant type: Duplication.
Coding change: c.716dup on transcript NM_022168.4 (MANE Select); coding-DNA position 716, one base duplicated (G; older notation c.716dupG).
Protein change: p.Met240fs; shifts the reading frame from methionine 240.
Molecular consequence: frameshift variant.
Genome position (GRCh38, 1-based): chr2:162,306,762, C duplicated on the plus strand (G on the coding strand, the reverse complement: IFIH1 is on the minus strand); the first of 4 consecutive C bases (chr2:162,306,762-162,306,765); duplicating any one gives the same sequence. VCF-style (leftmost placement, unchanged base first): chr2-162306761-G-GC. GRCh37 (hg19) VCF-style: chr2-163163271-G-GC.
Other names: c.716dup, p.Met240fs (LRG_1235t1); c.716dupG (NM_022168.3); c.716dup (NM_022168.3); short protein forms M240fs.
Identifiers: ClinVar variation 587596 (VCV000587596.6), dbSNP rs1558875029, ClinGen allele CA429539458.
Genomic context (GRCh38, chr2:162,306,761, plus strand): 5'-TCAAGTACCTGAAACTACAGAAGAATCTGCAAAAGATGATTCTGATGAGTTATTCTCCAT[G>GC]CCCCAGACCTCCTTCTCCAGATTTGGCTGAACTGTGGTTGAAAGAAGTTGCTCTTCCACT-3'